The following is an entry in ClinVar:

ClinVar aggregate classification (germline): Uncertain significance (1 of 4 stars; one submission).

Conditions:
Hyperphosphatasia with impaired intellectual development syndrome 2. Also called: Hyperphosphatasia with intellectual disability syndrome 2; GLYCOSYLPHOSPHATIDYLINOSITOL BIOSYNTHESIS DEFECT 6. Identifiers: Orphanet 247262, MedGen C3553637, MONDO:0013882, OMIM 614749.

gnomAD v4.1: 1 of 1,613,706 alleles (0.000062%); no homozygotes.

Submission:

Labcorp Genetics (formerly Invitae), Labcorp
Classification: Uncertain significance for Hyperphosphatasia with impaired intellectual development syndrome 2. Last evaluated: 2022-10-18. Review status: criteria provided, single submitter. Criteria: Invitae Variant Classification Sherloc (09022015). Collection method: clinical testing. Allele origin: germline.
Comment: This sequence change replaces valine, which is neutral and non-polar, with leucine, which is neutral and non-polar, at codon 939 of the PIGO protein (p.Val939Leu). In summary, the available evidence is currently insufficient to determine the role of this variant in disease. Therefore, it has been classified as a Variant of Uncertain Significance. Advanced modeling of protein sequence and biophysical properties (such as structural, functional, and spatial information, amino acid conservation, physicochemical variation, residue mobility, and thermodynamic stability) performed at Invitae indicates that this missense variant is not expected to disrupt PIGO protein function. ClinVar contains an entry for this variant (Variation ID: 1379587). This variant has not been reported in the literature in individuals affected with PIGO-related conditions. This variant is not present in population databases (gnomAD no frequency).

NM_032634.4(PIGO):c.2815G>C (p.Val939Leu)

Gene: PIGO (phosphatidylinositol glycan anchor biosynthesis class O; minus strand). Cytogenetic location: 9p13.3.
Variant type: single nucleotide variant.
Coding change: c.2815G>C on transcript NM_032634.4 (MANE Select); coding-DNA position 2815, G replaced by C.
Protein change: p.Val939Leu; replaces valine 939 with leucine.
Molecular consequence: missense variant.
Genome position (GRCh38, 1-based): chr9:35,090,505, C>G on the plus strand (G>C on the coding strand, the complement: PIGO is on the minus strand). VCF-style: chr9-35090505-C-G. GRCh37 (hg19) VCF-style: chr9-35090502-C-G.
Other names: c.1564G>C, p.Val522Leu (NM_001201484.2, NM_152850.4); short protein forms V522L, V939L.
Identifiers: ClinVar variation 1379587 (VCV001379587.6), dbSNP rs2131071645, ClinGen allele CA373318122.